The following is an entry in ClinVar:

NM_000742.4(CHRNA2):c.527dup (p.Ala177fs)

Gene: CHRNA2 (cholinergic receptor nicotinic alpha 2 subunit; minus strand). Cytogenetic location: 8p21.2.
Variant type: Duplication.
Coding change: c.527dup on transcript NM_000742.4 (MANE Select); coding-DNA position 527, one base duplicated (C; older notation c.527dupC).
Protein change: p.Ala177fs; shifts the reading frame from alanine 177.
Molecular consequence: frameshift variant. On other transcripts: intron variant (2).
Genome position (GRCh38, 1-based): chr8:27,463,916, G duplicated on the plus strand (C on the coding strand, the reverse complement: CHRNA2 is on the minus strand); the first of 5 consecutive G bases (chr8:27,463,916-27,463,920); duplicating any one gives the same sequence. VCF-style (leftmost placement, unchanged base first): chr8-27463915-C-CG. GRCh37 (hg19) VCF-style: chr8-27321432-C-CG.
Other names: c.482dup, p.Ala162fs (NM_001282455.2); c.50dup, p.Ala18fs (NM_001347705.2, NM_001347706.2); c.-12-56dup (NM_001347708.2); c.-9-59dup (NM_001347707.2); short protein forms A162fs, A177fs, A18fs.
Identifiers: ClinVar variation 3362032 (VCV003362032.2).
Genomic context (GRCh38, chr8:27,463,915, plus strand): 5'-GTTCTGCTGGTCGAAGGGGAAGAAGGTGACGTCGATGCTGCAGGAGCTCTTGTAGATGGC[C>CG]GGGGGCACCCAGTGCACAGTGCCCGTGGAGAAGAGGTGGGCCTTGGTCATGTGGGTCACT-3'

ClinVar aggregate classification (germline): Uncertain significance. Review status: criteria provided, multiple submitters, no conflicts (2 of 4 stars). 2 submissions from 2 submitters: Uncertain significance (2). Last evaluated 2025-08-15.

Conditions:
Familial sleep-related hypermotor epilepsy. Also called: Autosomal Dominant Sleep-Related Hypermotor (Hyperkinetic) Epilepsy. Identifiers: Orphanet 98784, MedGen C3696898, MONDO:0000030.

Submissions (2):

Labcorp Genetics (formerly Invitae), Labcorp
Classification: Uncertain significance. Last evaluated: 2025-08-15. Review status: criteria provided, single submitter. Criteria: Invitae Variant Classification Sherloc (09022015). Collection method: clinical testing. Allele origin: germline.
Comment: This sequence change creates a premature translational stop signal (p.Ala177Glyfs*31) in the CHRNA2 gene. It is expected to result in an absent or disrupted protein product. However, the current clinical and genetic evidence is not sufficient to establish whether loss-of-function variants in CHRNA2 cause disease. This variant is not present in population databases (gnomAD no frequency). This variant has not been reported in the literature in individuals affected with CHRNA2-related conditions. ClinVar contains an entry for this variant (Variation ID: 3362032). In summary, the available evidence is currently insufficient to determine the role of this variant in disease. Therefore, it has been classified as a Variant of Uncertain Significance.

GeneDx
Classification: Uncertain significance. Last evaluated: 2023-05-22. Review status: criteria provided, single submitter. Criteria: GeneDx Variant Classification Process June 2021. Collection method: clinical testing. Allele origin: germline. Affected: yes.
Comment: Not observed at significant frequency in large population cohorts (gnomAD); Frameshift variant predicted to result in protein truncation or nonsense mediated decay in a gene or region of a gene for which loss of function is not a well-established mechanism of disease; Has not been previously published as pathogenic or benign to our knowledge